The following is an entry in ClinVar:

ClinVar aggregate classification (germline): Uncertain significance (1 of 4 stars; one submission).

Conditions:
Charcot-Marie-Tooth disease type 2. Also called: Charcot-Marie-Tooth type 2. Identifiers: Orphanet 64746, MedGen C0270914, MONDO:0018993.

Submission:

Labcorp Genetics (formerly Invitae), Labcorp
Classification: Uncertain significance for Charcot-Marie-Tooth disease type 2. Last evaluated: 2018-10-10. Review status: criteria provided, single submitter. Criteria: Invitae Variant Classification Sherloc (09022015). Collection method: clinical testing. Allele origin: germline.
Comment: This variant disrupts the p.Thr356 amino acid residue in MFN2. Other variants that disrupt this residue have been observed in affected individuals (PMID: 26801520, 22653593), which suggests that this may be a clinically significant amino acid residue. In summary, the available evidence is currently insufficient to determine the role of this variant in disease. Therefore, it has been classified as a Variant of Uncertain Significance. This sequence change replaces threonine with asparagine at codon 356 of the MFN2 protein (p.Thr356Asn). The threonine residue is highly conserved and there is a small physicochemical difference between threonine and asparagine. Algorithms developed to predict the effect of missense changes on protein structure and function (SIFT, PolyPhen-2, Align-GVGD) all suggest that this variant is likely to be disruptive, but these predictions have not been confirmed by published functional studies and their clinical significance is uncertain. This variant has not been reported in the literature in individuals with MFN2-related disease. This variant is not present in population databases (ExAC no frequency).

Literature cited by the submitters: PubMed 26801520; PubMed 22653593.

NM_014874.4(MFN2):c.1067C>A (p.Thr356Asn)

Gene: MFN2 (mitofusin 2; plus strand). Cytogenetic location: 1p36.22.
Variant type: single nucleotide variant.
Coding change: c.1067C>A on transcript NM_014874.4 (MANE Select); coding-DNA position 1067, C replaced by A.
Protein change: p.Thr356Asn; replaces threonine 356 with asparagine.
Molecular consequence: missense variant.
Genome position (GRCh38, 1-based): chr1:12,002,010, C>A. VCF-style: chr1-12002010-C-A. GRCh37 (hg19) VCF-style: chr1-12062067-C-A.
Other names: c.1067C>A, p.Thr356Asn (NM_001127660.2); short protein forms T356N.
Identifiers: ClinVar variation 660466 (VCV000660466.8), dbSNP rs1569853976, ClinGen allele CA338442746.
Genomic context (GRCh38, chr1:12,002,010, plus strand): 5'-CCCACCTCCCTCCGTGCCTCTGTGTGTTCCAGGAGTGCATCTCCCAGTCTGCAGTGAAGA[C>A]CAAGTTTGAGCAGCACACGGTCCGGGCCAAGCAGATTGCAGAGGCGGTTCGACTCATCAT-3'
Protein context (NP_055689.1, residues 346-366): EECISQSAVK[Thr356Asn]KFEQHTVRAK